The following is an entry in ClinVar:

NC_000016.10:g.(?_29813055)_(29904965_?)del

Genes: ASPHD1 (aspartate beta-hydroxylase domain containing 1; plus strand), CDIPT (CDP-diacylglycerol--inositol 3-phosphatidyltransferase; minus strand), CDIPTOSP (CDIP transferase opposite strand, pseudogene; plus strand), MVP (major vault protein; plus strand), MVP-DT (MVP divergent transcript; minus strand) and 13 more. Cytogenetic location: 16p11.2.
Variant type: Deletion.
Identifiers: ClinVar variation 584215 (VCV000584215.2).

ClinVar aggregate classification (germline): Pathogenic (1 of 4 stars; one submission).

Conditions:
Episodic kinesigenic dyskinesia (EKD). Also called: Paroxysmal kinesigenic dyskinesia. Identifiers: Orphanet 98809, MedGen C1868682, MONDO:0044202.

Submission:

Labcorp Genetics (formerly Invitae), Labcorp
Classification: Pathogenic for Paroxysmal kinesigenic dyskinesia. Last evaluated: 2019-06-03. Review status: criteria provided, single submitter. Criteria: Invitae Variant Classification Sherloc (09022015). Collection method: clinical testing. Allele origin: germline.
Comment: A gross deletion of the genomic region encompassing the full coding sequence of the PRRT2 gene has been identified. The boundaries of this event are unknown as the deletion extends beyond the assayed region for this gene and therefore may encompass additional genes. Loss-of-function variants in PRRT2 are known to be pathogenic. This particular deletion has been reported in the literature in individuals affected with paroxysmal kinesigenic dyskinesia, infantile convulsions with paroxysmal choreoathetosis syndrome, and/or epilepsy (PMID: 22515636, 23363396, 24811917). For these reasons, this variant has been classified as Pathogenic.

Literature cited by the submitters: PubMed 22515636; PubMed 23363396; PubMed 24811917.